The following is an entry in ClinVar:

ClinVar aggregate classification (germline): Uncertain significance (1 of 4 stars; one submission).

Conditions:
Lymphatic malformation 9. Identifiers: MedGen C5543365, MONDO:0030270, OMIM 619319.

Allele frequency attached by ClinVar (database versions not stated): ExAC 0.00001; gnomAD 0.00001; TOPMed 0.00001.
gnomAD v4.1: 11 of 1,605,778 alleles (0.00069%); highest among the groups gnomAD compares: African/African-American, 0.0013%; no homozygotes.

Submission:

Clinical Genomics Laboratory, Washington University in St. Louis
Classification: Uncertain significance for Lymphatic malformation 9. Last evaluated: 2024-05-10. Review status: criteria provided, single submitter. Criteria: ACMG Guidelines, 2015. Collection method: clinical testing. Allele origin: germline.
Comment: A CELSR1 c.6544G>A (p.Asp2182Asn) variant was identified at a heterozygous allelic fraction of 50%, a frequency which may be consistent with germline origin. This variant, to our knowledge, has not been reported in the medical literature and is only observed on 11/1,605,778 alleles in the general population (gnomAD v.4.1.0), indicating it is not a common variant. Computational predictors suggest that the variant does not impact CELSR1 function. Due to limited information, and based on ACMG/AMP guidelines for variant interpretation (Richards S et al., PMID: 25741868), the clinical significance of this variant is uncertain at this time.

NM_001378328.1(CELSR1):c.6544G>A (p.Asp2182Asn)

Gene: CELSR1 (cadherin EGF LAG seven-pass G-type receptor 1; minus strand). Cytogenetic location: 22q13.31.
Variant type: single nucleotide variant.
Coding change: c.6544G>A on transcript NM_001378328.1 (MANE Select); coding-DNA position 6544, G replaced by A.
Protein change: p.Asp2182Asn; replaces aspartic acid 2182 with asparagine.
Molecular consequence: missense variant.
Genome position (GRCh38, 1-based): chr22:46,389,301, C>T on the plus strand (G>A on the coding strand, the complement: CELSR1 is on the minus strand). VCF-style: chr22-46389301-C-T. GRCh37 (hg19) VCF-style: chr22-46785198-C-T.
Other names: c.6544G>A, p.Asp2182Asn (NM_014246.4); short protein forms D2182N.
Identifiers: ClinVar variation 3237447 (VCV003237447.1), dbSNP rs752702347.